The following is an entry in ClinVar:

ClinVar aggregate classification (germline): Uncertain significance (1 of 4 stars; one submission).

Conditions:
2-aminoadipic 2-oxoadipic aciduria (AAKAD). Also called: ALPHA-AMINOADIPIC AND ALPHA-KETOADIPIC ACIDURIA; Aminoadipic aciduria. Identifiers: Orphanet 79154, MedGen C1859817, MONDO:0008774, OMIM 204750.

Allele frequency attached by ClinVar (database versions not stated): gnomAD exomes 0.00001; TOPMed 0.00001.
gnomAD v4.1: 3 of 1,609,112 alleles (0.00019%); highest among the groups gnomAD compares: Non-Finnish European, 0.00025%; no homozygotes.

Submission:

Labcorp Genetics (formerly Invitae), Labcorp
Classification: Uncertain significance for 2-aminoadipic 2-oxoadipic aciduria. Last evaluated: 2024-04-29. Review status: criteria provided, single submitter. Criteria: Invitae Variant Classification Sherloc (09022015). Collection method: clinical testing. Allele origin: germline.
Comment: This sequence change replaces isoleucine, which is neutral and non-polar, with valine, which is neutral and non-polar, at codon 832 of the DHTKD1 protein (p.Ile832Val). This variant is not present in population databases (gnomAD no frequency). This variant has not been reported in the literature in individuals affected with DHTKD1-related conditions. ClinVar contains an entry for this variant (Variation ID: 2139226). Advanced modeling of protein sequence and biophysical properties (such as structural, functional, and spatial information, amino acid conservation, physicochemical variation, residue mobility, and thermodynamic stability) performed at Invitae indicates that this missense variant is not expected to disrupt DHTKD1 protein function with a negative predictive value of 80%. In summary, the available evidence is currently insufficient to determine the role of this variant in disease. Therefore, it has been classified as a Variant of Uncertain Significance.

NM_018706.7(DHTKD1):c.2494A>G (p.Ile832Val)

Gene: DHTKD1 (dehydrogenase E1 and transketolase domain containing 1; plus strand). Cytogenetic location: 10p14.
Variant type: single nucleotide variant.
Coding change: c.2494A>G on transcript NM_018706.7 (MANE Select); coding-DNA position 2494, A replaced by G.
Protein change: p.Ile832Val; replaces isoleucine 832 with valine.
Molecular consequence: missense variant.
Genome position (GRCh38, 1-based): chr10:12,118,840, A>G. VCF-style: chr10-12118840-A-G. GRCh37 (hg19) VCF-style: chr10-12160839-A-G.
Other names: short protein forms I832V.
Identifiers: ClinVar variation 2139226 (VCV002139226.4), dbSNP rs1443098492, ClinGen allele CA376016434.